The following is an entry in ClinVar:

NM_000245.4(MET):c.1944_1945delinsGC (p.Tyr649His)

Gene: MET (MET proto-oncogene, receptor tyrosine kinase; plus strand). Cytogenetic location: 7q31.2.
Variant type: Indel.
Coding change: c.1944_1945delinsGC on transcript NM_000245.4 (MANE Select); coding-DNA positions 1944 to 1945, AT replaced by GC.
Protein change: p.Tyr649His; replaces tyrosine 649 with histidine.
Molecular consequence: missense variant.
Genome position (GRCh38, 1-based): chr7:116,757,518-116,757,519, AT replaced by GC. VCF-style: chr7-116757518-AT-GC. GRCh37 (hg19) VCF-style: chr7-116397572-AT-GC.
Other names: c.1944_1945delinsGC, p.Tyr649His (NM_001127500.3, NM_001324401.3); c.654_655delinsGC, p.Tyr219His (NM_001324402.2); short protein forms Y219H, Y649H.
Identifiers: ClinVar variation 3017419 (VCV003017419.4), dbSNP rs2485711424, ClinGen allele CA2740097508.
Genomic context (GRCh38, chr7:116,757,518, plus strand): 5'-TGCCATGAATAAGCATTTCAATATGTCCATAATTATTTCAAATGGCCACGGGACAACACA[AT>GC]ACAGTACATTCTCCTATGTGGTAAGGAAGATTCTATCCTATCATGTTTGATTTTTACTTA-3'
Protein context (NP_000236.2, residues 639-659): IISNGHGTTQ[Tyr649His]STFSYVDPVI

ClinVar aggregate classification (germline): Uncertain significance. Review status: criteria provided, multiple submitters, no conflicts (2 of 4 stars). 2 submissions from 2 submitters: Uncertain significance (2). Last evaluated 2025-05-21.

Conditions:
Hereditary cancer-predisposing syndrome. Also called: Neoplastic Syndromes, Hereditary; Tumor predisposition; Hereditary neoplastic syndrome; Hereditary Cancer Syndrome. Identifiers: Orphanet 140162, MedGen C0027672, MeSH D009386, MONDO:0015356.
Renal cell carcinoma. Identifiers: Orphanet 217071, MedGen C0007134, MeSH D002292, MONDO:0005086, HP:0005584.

Submissions (2):

Ambry Genetics
Classification: Uncertain significance for Hereditary cancer-predisposing syndrome. Last evaluated: 2025-05-21. Review status: criteria provided, single submitter. Criteria: Ambry Variant Classification Scheme 2023. Collection method: clinical testing. Allele origin: germline.
Comment: The c.1944_1945delATinsGC variant (also known as p.Y649H), located in coding exon 6 of the MET gene, results from an in-frame deletion of AT and insertion of GC at nucleotide positions 1944 to 1945. This results in the substitution of the tyrosine residue for a histidine residue at codon 649, an amino acid with similar properties. This amino acid position is not well conserved in available vertebrate species. In addition, this variant is predicted to be neutral by in silico analysis (Choi Y et al. PLoS ONE. 2012; 7(10):e46688). Based on the available evidence, the clinical significance of this variant remains unclear.

Labcorp Genetics (formerly Invitae), Labcorp
Classification: Uncertain significance for Renal cell carcinoma. Last evaluated: 2023-01-25. Review status: criteria provided, single submitter. Criteria: Invitae Variant Classification Sherloc (09022015). Collection method: clinical testing. Allele origin: germline.
Comment: Experimental studies and prediction algorithms are not available or were not evaluated, and the functional significance of this variant is currently unknown. In summary, the available evidence is currently insufficient to determine the role of this variant in disease. Therefore, it has been classified as a Variant of Uncertain Significance. This variant has not been reported in the literature in individuals affected with MET-related conditions. Information on the frequency of this variant in the gnomAD database is not available, as this variant may be reported differently in the database. This sequence change replaces tyrosine, which is neutral and polar, with histidine, which is basic and polar, at codon 649 of the MET protein (p.Tyr649His).